The following is an entry in ClinVar:

ClinVar aggregate classification (germline): Uncertain significance (1 of 4 stars; one submission).

Conditions:
Menkes kinky-hair syndrome (MNK). Also called: Classic Menkes Disease; Copper transport disease; Menkes Disease. Identifiers: Orphanet 565, MedGen C0022716, MONDO:0010651, OMIM 309400.
X-linked distal spinal muscular atrophy type 3. Also called: NEURONOPATHY, DISTAL HEREDITARY MOTOR, X-LINKED; NEUROPATHY, DISTAL HEREDITARY MOTOR, X-LINKED; ATP7A-Related Distal Motor Neuropathy; SPINAL MUSCULAR ATROPHY, DISTAL, X-LINKED RECESSIVE. Identifiers: Orphanet 139557, MedGen C1845359, MONDO:0010338, OMIM 300489.
Cutis laxa, X-linked (OHS). Also called: EDS IX; Occipital horn syndrome. Identifiers: Orphanet 198, MedGen C0268353, MONDO:0010572, OMIM 304150.

gnomAD v4.1: 16 of 1,211,414 alleles (0.0013%); highest among the groups gnomAD compares: Non-Finnish European, 0.0018%; no homozygotes.

Submission:

Labcorp Genetics (formerly Invitae), Labcorp
Classification: Uncertain significance for X-linked distal spinal muscular atrophy type 3; Cutis laxa, X-linked; Menkes kinky-hair syndrome. Last evaluated: 2022-03-29. Review status: criteria provided, single submitter. Criteria: Invitae Variant Classification Sherloc (09022015). Collection method: clinical testing. Allele origin: germline.
Comment: This sequence change replaces serine, which is neutral and polar, with glycine, which is neutral and non-polar, at codon 1430 of the ATP7A protein (p.Ser1430Gly). This variant is not present in population databases (gnomAD no frequency). This variant has not been reported in the literature in individuals affected with ATP7A-related conditions. Advanced modeling of protein sequence and biophysical properties (such as structural, functional, and spatial information, amino acid conservation, physicochemical variation, residue mobility, and thermodynamic stability) performed at Invitae indicates that this missense variant is not expected to disrupt ATP7A protein function. In summary, the available evidence is currently insufficient to determine the role of this variant in disease. Therefore, it has been classified as a Variant of Uncertain Significance.

NM_000052.7(ATP7A):c.4288A>G (p.Ser1430Gly)

Gene: ATP7A (ATPase copper transporting alpha; plus strand). Cytogenetic location: Xq21.1.
Variant type: single nucleotide variant.
Coding change: c.4288A>G on transcript NM_000052.7 (MANE Select); coding-DNA position 4288, A replaced by G.
Protein change: p.Ser1430Gly; replaces serine 1430 with glycine.
Molecular consequence: missense variant. On other transcripts: non-coding transcript variant (1).
Genome position (GRCh38, 1-based): chrX:78,046,355, A>G. VCF-style: chrX-78046355-A-G. GRCh37 (hg19) VCF-style: chrX-77301852-A-G.
Other names: c.4054A>G, p.Ser1352Gly (NM_001282224.2); short protein forms S1430G, S1352G.
Identifiers: ClinVar variation 1515546 (VCV001515546.3), dbSNP rs2149113992, ClinGen allele CA413606096.
Genomic context (GRCh38, chrX:78,046,355, plus strand): 5'-TACAGGAAACCAACTTACGAGAGTTATGAACTGCCTGCCCGGAGCCAGATAGGACAGAAG[A>G]GTCCTTCAGAAATCAGCGTTCATGTTGGAATAGATGATACCTCAAGGAATTCTCCTAAAC-3'
Protein context (NP_000043.4, residues 1420-1440): LPARSQIGQK[Ser1430Gly]PSEISVHVGI